The following is an entry in ClinVar:

ClinVar aggregate classification (germline): Uncertain significance. Review status: criteria provided, multiple submitters, no conflicts (2 of 4 stars). 2 submissions from 2 submitters: Uncertain significance (2). Last evaluated 2024-09-19.

Conditions:
Inborn genetic diseases. Identifiers: MedGen C0950123, MeSH D030342.

Allele frequency attached by ClinVar (database versions not stated): gnomAD exomes below 0.00001; TOPMed below 0.00001; gnomAD 0.00001; ESP Exome Variant Server 0.00008.
gnomAD v4.1: 7 of 1,607,176 alleles (0.00044%); highest among the groups gnomAD compares: African/African-American, 0.0013%; no homozygotes.

Submissions (2):

GeneDx
Classification: Uncertain significance. Last evaluated: 2024-09-19. Review status: criteria provided, single submitter. Criteria: GeneDx Variant Classification Process June 2021. Collection method: clinical testing. Allele origin: germline. Affected: yes.
Comment: Not observed at significant frequency in large population cohorts (gnomAD); In silico analysis supports that this missense variant does not alter protein structure/function; Has not been previously published as pathogenic or benign to our knowledge

Ambry Genetics
Classification: Uncertain significance for Inborn genetic diseases. Last evaluated: 2022-05-26. Review status: criteria provided, single submitter. Criteria: Ambry Variant Classification Scheme 2023. Collection method: clinical testing. Allele origin: germline.

NM_013436.5(NCKAP1):c.3161G>A (p.Arg1054His)

Gene: NCKAP1 (NCK associated protein 1; minus strand). Cytogenetic location: 2q32.1.
Variant type: single nucleotide variant.
Coding change: c.3161G>A on transcript NM_013436.5 (MANE Select); coding-DNA position 3161, G replaced by A.
Protein change: p.Arg1054His; replaces arginine 1054 with histidine.
Molecular consequence: missense variant.
Genome position (GRCh38, 1-based): chr2:182,928,136, C>T on the plus strand (G>A on the coding strand, the complement: NCKAP1 is on the minus strand). VCF-style: chr2-182928136-C-T. GRCh37 (hg19) VCF-style: chr2-183792864-C-T.
Other names: c.3179G>A, p.Arg1060His (NM_205842.3); c.3179G>A (NM_205842.2); short protein forms R1054H, R1060H.
Identifiers: ClinVar variation 2291338 (VCV002291338.3), dbSNP rs376392398, ClinGen allele CA61669827.